The following is an entry in ClinVar:

ClinVar aggregate classification (germline): Benign. Review status: criteria provided, multiple submitters, no conflicts (2 of 4 stars). 2 submissions from 2 submitters: Benign (2). Last evaluated 2018-01-13.

Conditions:
Vanishing white matter disease. Also called: CACH syndrome; Childhood ataxia with diffuse central nervous system hypomyelination; Leukoencephalopathy with vanishing white matter; CACH/VWM syndrome; Cree leukoencehalopathy. Identifiers: Orphanet 135, Orphanet 99853, MedGen C1858991, MONDO:0800448.

Allele frequency attached by ClinVar (database versions not stated): gnomAD exomes 0.31342; 1000 Genomes Project 0.37819; 1000 Genomes Project 30x 0.38929; gnomAD 0.39728 and 0.40370; TOPMed 0.40627.
gnomAD v4.1: 92,850 of 255,610 alleles (36%); highest among the groups gnomAD compares: African/African-American, 62%; 19,757 homozygotes.

Submissions (2):

Illumina Laboratory Services, Illumina
Classification: Benign for Leukoencephalopathy with vanishing white matter 1. Last evaluated: 2018-01-13. Review status: criteria provided, single submitter. Criteria: ICSL Variant Classification Criteria 13 December 2019. Collection method: clinical testing. Allele origin: germline.
Comment: This variant was observed in the ICSL laboratory as part of a predisposition screen in an ostensibly healthy population. It had not been previously curated by ICSL or reported in the Human Gene Mutation Database (HGMD: prior to June 1st, 2018), and was therefore a candidate for classification through an automated scoring system. Utilizing variant allele frequency, disease prevalence and penetrance estimates, and inheritance mode, an automated score was calculated to assess if this variant is too frequent to cause the disease. Based on the score and internal cut-off values, a variant classified as benign is not then subjected to further curation. The score for this variant resulted in a classification of benign for this disease.

Breakthrough Genomics
Classification: Benign. Review status: criteria provided, single submitter. Criteria: ACMG Guidelines, 2015. Collection method: not provided. Allele origin: germline. Inheritance: Autosomal recessive inheritance. Affected: yes.

NM_001414.4(EIF2B1):c.*464A>G

Gene: EIF2B1 (eukaryotic translation initiation factor 2B subunit alpha; minus strand). Cytogenetic location: 12q24.31.
Variant type: single nucleotide variant.
Coding change: c.*464A>G on transcript NM_001414.4 (MANE Select); 464 bases downstream of the stop codon, A replaced by G.
Molecular consequence: 3 prime UTR variant.
Genome position (GRCh38, 1-based): chr12:123,621,292, T>C on the plus strand (A>G on the coding strand, the complement: EIF2B1 is on the minus strand). VCF-style: chr12-123621292-T-C. GRCh37 (hg19) VCF-style: chr12-124105839-T-C.
Identifiers: ClinVar variation 307518 (VCV000307518.6), dbSNP rs9919, ClinGen allele CA10632178.
Genomic context (GRCh38, chr12:123,621,292, plus strand): 5'-GGTAGTTTTTACTGTTTGGCTTGATCCTGCTGAGGAATGTGCTTACCACTGGAAGCCAGA[T>C]GCAGATTCAGCAAGTGTTTCTTGCCTCTTACAAGGCACCGCGTGTAACGTCCTGACCAGC-3'